The following is an entry in ClinVar:

NM_022893.4(BCL11A):c.1595C>G (p.Ala532Gly)

Gene: BCL11A (BCL11 transcription factor A; minus strand). Cytogenetic location: 2p16.1.
Variant type: single nucleotide variant.
Coding change: c.1595C>G on transcript NM_022893.4 (MANE Select); coding-DNA position 1595, C replaced by G.
Protein change: p.Ala532Gly; replaces alanine 532 with glycine.
Molecular consequence: missense variant. On other transcripts: intron variant (6).
Genome position (GRCh38, 1-based): chr2:60,461,317, G>C on the plus strand (C>G on the coding strand, the complement: BCL11A is on the minus strand). VCF-style: chr2-60461317-G-C. GRCh37 (hg19) VCF-style: chr2-60688452-G-C.
Other names: c.1493C>G, p.Ala498Gly (NM_001363864.1, NM_001365609.1, NM_001405711.1 and 2 more transcripts); c.1595C>G, p.Ala532Gly (NM_001405708.1, NM_001405709.1, NM_001405710.1 and 1 more transcripts); c.1439C>G, p.Ala480Gly (NM_001405713.1, NM_001405714.1, NM_001405715.1 and 3 more transcripts); c.1337C>G, p.Ala446Gly (NM_001405717.1, NM_001405718.1, NM_001405724.1); c.1262C>G, p.Ala421Gly (NM_001405720.1, NM_001405721.1); c.1139C>G, p.Ala380Gly (NM_001405725.1, NM_001405726.1, NM_001405727.1 and 1 more transcripts); c.902C>G, p.Ala301Gly (NM_001405729.1); c.1058C>G, p.Ala353Gly (NM_001405730.1); and 5 more; short protein forms A201G, A301G, A353G, A380G, A421G, A446G, A480G, A498G.
Identifiers: ClinVar variation 2682436 (VCV002682436.1), dbSNP rs200811371, ClinGen allele CA1671078.

ClinVar aggregate classification (germline): Uncertain significance (1 of 4 stars; one submission).

gnomAD v4.1: 5 of 1,599,584 alleles (0.00031%); highest among the groups gnomAD compares: African/African-American, 0.0067%; no homozygotes.

Submission:

Women's Health and Genetics/Laboratory Corporation of America, LabCorp
Classification: Uncertain significance. Last evaluated: 2023-11-09. Review status: criteria provided, single submitter. Criteria: LabCorp Variant Classification Summary - May 2015. Collection method: clinical testing. Allele origin: germline.
Comment: Variant summary: BCL11A c.1595C>G (p.Ala532Gly) results in a non-conservative amino acid change in the encoded protein sequence. Four of five in-silico tools predict a benign effect of the variant on protein function. The variant allele was found at a frequency of 4.5e-06 in 220156 control chromosomes. The available data on variant occurrences in the general population are insufficient to allow any conclusion about variant significance. To our knowledge, no occurrence of c.1595C>G in individuals affected with Intellectual Developmental Disorder With Persistence Of Fetal Hemoglobin and no experimental evidence demonstrating its impact on protein function have been reported. No submitters have cited clinical-significance assessments for this variant to ClinVar after 2014. Based on the evidence outlined above, the variant was classified as uncertain significance.